The following is an entry in ClinVar:

NM_001142864.4(PIEZO1):c.2708A>C (p.Gln903Pro)

Genes: HSALR1 (HSP90AB1 associated lncRNA 1; plus strand), PIEZO1 (piezo type mechanosensitive ion channel component 1 (Er blood group); minus strand). Cytogenetic location: 16q24.3.
Variant type: single nucleotide variant.
Coding change: c.2708A>C on transcript NM_001142864.4 (MANE Select); coding-DNA position 2708, A replaced by C.
Protein change: p.Gln903Pro; replaces glutamine 903 with proline.
Molecular consequence: missense variant.
Genome position (GRCh38, 1-based): chr16:88,732,689, T>G on the plus strand (A>C on the coding strand, the complement: PIEZO1 is on the minus strand). VCF-style: chr16-88732689-T-G. GRCh37 (hg19) VCF-style: chr16-88799097-T-G.
Other names: short protein forms Q903P.
Identifiers: ClinVar variation 4074448 (VCV004074448.1).
Genomic context (GRCh38, chr16:88,732,689, plus strand): 5'-AACCCTTTCCGCACCCCAAACCAGTTGGCAGGGTCCACGGGCCCCCGGTACAGCAGGGAC[T>G]GGCTGATCTCCGTGGGCAGCAAGTTGGTGCTGTTGGGGAAGGGCTGGCAAGAGGCCAGGC-3'
Protein context (NP_001136336.2, residues 893-913): STNLLPTEIS[Gln903Pro]SLLYRGPVDP

ClinVar aggregate classification (germline): Uncertain significance (1 of 4 stars; one submission).

gnomAD v4.1: 1 of 1,549,364 alleles (0.000065%); highest among the groups gnomAD compares: Non-Finnish European, 0.000087%; no homozygotes.

Submission:

GeneDx
Classification: Uncertain significance. Last evaluated: 2025-02-10. Review status: criteria provided, single submitter. Criteria: GeneDx Variant Classification Process June 2021. Collection method: clinical testing. Allele origin: germline. Affected: yes.
Comment: Not observed at significant frequency in large population cohorts (gnomAD); In silico analysis indicates that this missense variant does not alter protein structure/function; Has not been previously published as pathogenic or benign to our knowledge